The following is an entry in ClinVar:

ClinVar aggregate classification (germline): Uncertain significance (1 of 4 stars; one submission).

Conditions:
MYBPC1-related disorder. Also called: MYBPC1-related condition.

gnomAD v4.1: 13 of 1,597,612 alleles (0.00081%); highest among the groups gnomAD compares: South Asian, 0.012%; no homozygotes.

Submission:

PreventionGenetics, part of Exact Sciences
Classification: Uncertain significance for MYBPC1-related condition. Last evaluated: 2025-05-28. Review status: criteria provided, single submitter. Criteria: ACMG Guidelines, 2015. Collection method: clinical testing. Allele origin: germline.
Comment: The MYBPC1 c.1091-7A>G variant is predicted to interfere with splicing. To our knowledge, this variant has not been reported in the literature. This variant is reported in 0.016% of alleles in individuals of South Asian descent in gnomAD. At this time, the clinical significance of this variant is uncertain due to the absence of conclusive functional and genetic evidence.

NM_002465.4(MYBPC1):c.1091-7A>G

Genes: MYBPC1 (myosin binding protein C1; plus strand), LOC105369937 (uncharacterized LOC105369937; minus strand). Cytogenetic location: 12q23.2.
Variant type: single nucleotide variant.
Coding change: c.1091-7A>G on transcript NM_002465.4 (MANE Select); 7 bases into the intron before coding-DNA position 1091, A replaced by G.
Molecular consequence: intron variant.
Genome position (GRCh38, 1-based): chr12:101,648,038, A>G. VCF-style: chr12-101648038-A-G. GRCh37 (hg19) VCF-style: chr12-102041816-A-G.
Other names: c.1091-7A>G (NM_206819.4, NM_001404675.1); c.1016-7A>G (NM_001254718.3, NM_206820.4, NM_001254719.3 and 1 more transcripts); c.959-7A>G (NM_001254721.3, NM_001404678.1, NM_001404676.1); c.980-7A>G (NM_001254720.3); c.977-7A>G (NM_001254723.3); c.938-7A>G (NM_001254722.3, NM_001404680.1); c.881-7A>G (NM_001404679.1, NM_001404681.1, NM_001404677.1).
Identifiers: ClinVar variation 5000746 (VCV005000746.1).